The following is an entry in ClinVar:

ClinVar aggregate classification (germline): Pathogenic (1 of 4 stars; one submission).

Conditions:
Charcot-Marie-Tooth Neuropathy X. Identifiers: MedGen CN118851.

Submission:

Labcorp Genetics (formerly Invitae), Labcorp
Classification: Pathogenic for Charcot-Marie-Tooth Neuropathy X. Last evaluated: 2022-09-28. Review status: criteria provided, single submitter. Criteria: Invitae Variant Classification Sherloc (09022015). Collection method: clinical testing. Allele origin: germline.
Comment: A gross deletion of the genomic region encompassing the full coding sequence of the GJB1 gene has been identified. Loss-of-function variants in GJB1 are known to be pathogenic (PMID: 11266688). The boundaries of this event are unknown as they extend beyond the assayed region for this gene and therefore may encompass additional genes. A similar copy number variant has been observed in individual(s) with Charcot-Marie-Tooth disease (PMID: 10587015, 20532933, 24724718, 27549087). In at least one individual the variant was observed to be de novo. For these reasons, this variant has been classified as Pathogenic.

Literature cited by the submitters: PubMed 11266688; PubMed 10587015; PubMed 20532933; PubMed 24724718; PubMed 27549087.

NC_000023.10:g.(?_70443558)_(70444409_?)del

Gene: GJB1 (gap junction protein beta 1; plus strand). Cytogenetic location: Xq13.1.
Variant type: Deletion.
Identifiers: ClinVar variation 2422503 (VCV002422503.3).